The following is an entry in ClinVar:

ClinVar aggregate classification (germline): Likely pathogenic (1 of 4 stars; one submission).

Conditions:
Rubinstein-Taybi syndrome due to CREBBP mutations (RSTS1). Also called: BROAD THUMBS AND GREAT TOES, CHARACTERISTIC FACIES, AND IMPAIRED INTELLECTUAL DEVELOPMENT; BROAD THUMB-HALLUX SYNDROME; RUBINSTEIN-TAYBI SYNDROME 1, INCOMPLETE; Rubinstein-Taybi syndrome 1; CREBBP-Related Rubinstein-Taybi Syndrome; RUBINSTEIN SYNDROME. Identifiers: Orphanet 353277, Orphanet 783, MedGen C4551859, MONDO:0008393, OMIM 180849.

Submission:

3billion
Classification: Likely pathogenic for Rubinstein-Taybi syndrome due to CREBBP mutations. Last evaluated: 2023-07-10. Review status: criteria provided, single submitter. Criteria: ACMG Guidelines, 2015. Collection method: clinical testing. Allele origin: germline. Affected: yes.
Comment: The variant is not observed in the gnomAD v2.1.1 dataset. Predicted Consequence/Location: Frameshift: predicted to result in a loss or disruption of normal protein function through nonsense-mediated decay (NMD) or protein truncation. Multiple pathogenic variants are reported downstream of the variant. Therefore, this variant is classified as Likely pathogenic according to the recommendation of ACMG/AMP guideline.

NM_004380.3(CREBBP):c.3555del (p.Phe1185fs)

Gene: CREBBP (CREB binding lysine acetyltransferase; minus strand). Cytogenetic location: 16p13.3.
Variant type: Deletion.
Coding change: c.3555del on transcript NM_004380.3 (MANE Select); coding-DNA position 3555, one base deleted (T; older notation c.3555delT).
Protein change: p.Phe1185fs; shifts the reading frame from phenylalanine 1185.
Molecular consequence: frameshift variant.
Genome position (GRCh38, 1-based): chr16:3,757,863, A deleted on the plus strand (T on the coding strand, the reverse complement: CREBBP is on the minus strand); the first of 3 consecutive A bases (chr16:3,757,863-3,757,865); deleting any one gives the same sequence. VCF-style (leftmost placement, unchanged base first): chr16-3757862-CA-C. GRCh37 (hg19) VCF-style: chr16-3807863-CA-C.
Other names: c.3441del, p.Phe1147fs (NM_001079846.1); short protein forms F1147fs, F1185fs.
Identifiers: ClinVar variation 3775877 (VCV003775877.1).